The following is an entry in ClinVar:

ClinVar aggregate classification (germline): Likely pathogenic (1 of 4 stars; one submission).

Conditions:
Hereditary cancer-predisposing syndrome. Also called: Hereditary Cancer Syndrome; Hereditary neoplastic syndrome; Neoplastic Syndromes, Hereditary; Tumor predisposition. Identifiers: Orphanet 140162, MedGen C0027672, MeSH D009386, MONDO:0015356.

Submission:

Ambry Genetics
Classification: Likely pathogenic for Hereditary cancer-predisposing syndrome. Last evaluated: 2025-04-18. Review status: criteria provided, single submitter. Criteria: Ambry Variant Classification Scheme 2023. Collection method: clinical testing. Allele origin: germline.
Comment: The c.462+1G>C intronic variant results from a G to C substitution one nucleotide after coding exon 5 of the MUTYH gene. This variant is considered to be rare based on population cohorts in the Genome Aggregation Database (gnomAD). This nucleotide position is highly conserved in available vertebrate species. In silico splice site analysis predicts that this alteration will weaken the native splice donor site; however, direct evidence is insufficient at this time (Ambry internal data). Alterations that disrupt the canonical splice site are expected to cause aberrant splicing, resulting in an abnormal protein or a transcript that is subject to nonsense-mediated mRNA decay. As such, this alteration is classified as likely pathogenic.

NM_001048174.2(MUTYH):c.378+1G>C

Gene: MUTYH (mutY DNA glycosylase; minus strand). Cytogenetic location: 1p34.1.
Variant type: single nucleotide variant.
Coding change: c.378+1G>C on transcript NM_001048174.2 (MANE Select); the canonical splice donor site of the intron after coding-DNA position 378, G replaced by C.
Molecular consequence: splice donor variant. On other transcripts: intron variant (3).
Genome position (GRCh38, 1-based): chr1:45,333,096, C>G on the plus strand (G>C on the coding strand, the complement: MUTYH is on the minus strand). VCF-style: chr1-45333096-C-G. GRCh37 (hg19) VCF-style: chr1-45798768-C-G.
Other names: c.378+1G>C (NM_001407072.1, NM_001048171.2, NM_001407070.1 and 6 more transcripts); c.34-137G>C (NM_001350651.2, NM_001350650.2, NM_001407082.1); c.102+1G>C (NM_001293192.2, NM_001293196.2, NM_001407091.1); c.420+1G>C (NM_001407073.1, NM_001407083.1, NM_001407085.1); c.423+1G>C (NM_001293190.2); c.453+1G>C (NM_001407069.1, NM_012222.3); c.462+1G>C (NM_001128425.2); c.381+1G>C (NM_001407071.1, NM_001407079.1, NM_001048172.2 and 2 more transcripts); and 3 more.
Identifiers: ClinVar variation 3914946 (VCV003914946.1).